The following is an entry in ClinVar:

ClinVar aggregate classification (germline): Uncertain significance. Review status: criteria provided, multiple submitters, no conflicts (2 of 4 stars). 3 submissions from 3 submitters: Uncertain significance (3). Last evaluated 2021-08-12.

Conditions:
Hypertrophic cardiomyopathy. Also called: HYPERTROPHIC MYOCARDIOPATHY. Identifiers: Orphanet 217569, MedGen C0007194, MeSH D002312, MONDO:0005045, HP:0001639.

Allele frequency attached by ClinVar (database versions not stated): gnomAD exomes below 0.00001; ExAC 0.00001.

Submissions (3):

Labcorp Genetics (formerly Invitae), Labcorp
Classification: Uncertain significance for Hypertrophic cardiomyopathy. Last evaluated: 2021-08-12. Review status: criteria provided, single submitter. Criteria: Invitae Variant Classification Sherloc (09022015). Collection method: clinical testing. Allele origin: germline.
Comment: This sequence change falls in intron 11 of the MYBPC3 gene. It does not directly change the encoded amino acid sequence of the MYBPC3 protein. It affects a nucleotide within the consensus splice site of the intron. This variant is present in population databases (rs397516081, ExAC 0.009%). This variant has been observed in individual(s) with dilated cardiomyopathy (PMID: 28679633). ClinVar contains an entry for this variant (Variation ID: 42803). Variants that disrupt the consensus splice site are a relatively common cause of aberrant splicing (PMID: 17576681, 9536098). Studies have shown that this variant is associated with altered splicing, but the impact on the resulting protein product is unknown (PMID: 28679633). In summary, the available evidence is currently insufficient to determine the role of this variant in disease. Therefore, it has been classified as a Variant of Uncertain Significance.

Laboratory for Molecular Medicine, Mass General Brigham Personalized Medicine
Classification: Uncertain significance. Last evaluated: 2020-10-10. Review status: criteria provided, single submitter. Criteria: LMM Criteria. Collection method: clinical testing. Allele origin: germline. Inheritance: Autosomal dominant inheritance. Observed: 1 variant allele.
Comment: The c.926+4A>G variant in MYBPC3 has been reported in one individual with dilated cardiomyopathy (DCM; Ito 2017 PMID: 28679633) and was absent from large population studies. This variant is located in the 5' splice region. Computational tools predict a splicing impact and functional studies using a cell-based minigene splicing assay provide some evidence that this variant impacts splicing (Ito 2017 PMID: 28679633). In summary, the clinical significance of this variant is uncertain. ACMG/AMP Criteria applied: PM2, PP3, PS3_Supporting.

GeneDx
Classification: Uncertain significance. Last evaluated: 2020-10-02. Review status: criteria provided, single submitter. Criteria: GeneDx Variant Classification Process June 2021. Collection method: clinical testing. Allele origin: germline. Affected: yes.
Comment: Reported in association with cardiomyopathy (Ito et al., 2017); however, additional clinical information was not provided; In-silico analysis, which includes splice predictors and evolutionary conservation, is inconclusive as to whether the variant alters gene splicing. In the absence of RNA/functional studies, the actual effect of this sequence change is unknown.; This variant is associated with the following publications: (PMID: 28679633)

Literature cited by the submitters: PubMed 28679633 (cited by Labcorp Genetics (formerly Invitae), Labcorp and Laboratory for Molecular Medicine, Mass General Brigham Personalized Medicine); PubMed 17576681 (cited by Labcorp Genetics (formerly Invitae), Labcorp); PubMed 9536098 (cited by Labcorp Genetics (formerly Invitae), Labcorp).

NM_000256.3(MYBPC3):c.926+4A>G

Gene: MYBPC3 (myosin binding protein C3; minus strand). Cytogenetic location: 11p11.2.
Variant type: single nucleotide variant.
Coding change: c.926+4A>G on transcript NM_000256.3 (MANE Select); 4 bases into the intron after coding-DNA position 926, A replaced by G.
Molecular consequence: intron variant.
Genome position (GRCh38, 1-based): chr11:47,346,623, T>C on the plus strand (A>G on the coding strand, the complement: MYBPC3 is on the minus strand). VCF-style: chr11-47346623-T-C. GRCh37 (hg19) VCF-style: chr11-47368174-T-C.
Identifiers: ClinVar variation 42803 (VCV000042803.12), dbSNP rs397516081, ClinGen allele CA016101.